The following is an entry in ClinVar:

ClinVar aggregate classification (germline): Uncertain significance. Review status: criteria provided, multiple submitters, no conflicts (2 of 4 stars). 3 submissions from 3 submitters: Uncertain significance (3). Last evaluated 2026-02-23.

Conditions:
Loeys-Dietz syndrome 4 (LDS4). Also called: ANEURYSM, AORTIC AND CEREBRAL, WITH ARTERIAL TORTUOSITY AND SKELETAL MANIFESTATIONS; TGFB2-Related Loeys-Dietz Syndrome. Identifiers: MedGen C3553762, MONDO:0013897, OMIM 614816.

Allele frequency attached by ClinVar (database versions not stated): gnomAD exomes below 0.00001 and 0.00001; ExAC 0.00002.
gnomAD v4.1: 5 of 1,614,154 alleles (0.00031%); highest among the groups gnomAD compares: Middle Eastern, 0.016%; no homozygotes.

Submissions (3):

Women's Health and Genetics/Laboratory Corporation of America, LabCorp
Classification: Uncertain significance. Last evaluated: 2026-02-23. Review status: criteria provided, single submitter. Criteria: LabCorp Variant Classification Summary - May 2015. Collection method: clinical testing. Allele origin: germline.

Labcorp Genetics (formerly Invitae), Labcorp
Classification: Uncertain significance for Loeys-Dietz syndrome 4. Last evaluated: 2025-06-11. Review status: criteria provided, single submitter. Criteria: Invitae Variant Classification Sherloc (09022015). Collection method: clinical testing. Allele origin: germline.
Comment: This sequence change replaces glutamic acid, which is acidic and polar, with lysine, which is basic and polar, at codon 61 of the TGFB2 protein (p.Glu61Lys). This variant is present in population databases (rs763228811, gnomAD 0.003%). This variant has not been reported in the literature in individuals affected with TGFB2-related conditions. ClinVar contains an entry for this variant (Variation ID: 1302741). Invitae Evidence Modeling of protein sequence and biophysical properties (such as structural, functional, and spatial information, amino acid conservation, physicochemical variation, residue mobility, and thermodynamic stability) indicates that this missense variant is not expected to disrupt TGFB2 protein function with a negative predictive value of 80%. In summary, the available evidence is currently insufficient to determine the role of this variant in disease. Therefore, it has been classified as a Variant of Uncertain Significance.

GeneDx
Classification: Uncertain significance. Last evaluated: 2021-01-06. Review status: criteria provided, single submitter. Criteria: GeneDx Variant Classification Process June 2021. Collection method: clinical testing. Allele origin: germline. Affected: yes.
Comment: Not observed at a significant frequency in large population cohorts (Lek et al., 2016); In silico analysis supports that this missense variant does not alter protein structure/function; Has not been previously published as pathogenic or benign to our knowledge

NM_003238.6(TGFB2):c.181G>A (p.Glu61Lys)

Gene: TGFB2 (transforming growth factor beta 2; plus strand). Cytogenetic location: 1q41.
Variant type: single nucleotide variant.
Coding change: c.181G>A on transcript NM_003238.6 (MANE Select); coding-DNA position 181, G replaced by A.
Protein change: p.Glu61Lys; replaces glutamic acid 61 with lysine.
Molecular consequence: missense variant. On other transcripts: non-coding transcript variant (2).
Genome position (GRCh38, 1-based): chr1:218,346,882, G>A. VCF-style: chr1-218346882-G-A. GRCh37 (hg19) VCF-style: chr1-218520224-G-A.
Other names: c.181G>A, p.Glu61Lys (NM_001135599.4); short protein forms E61K.
Identifiers: ClinVar variation 1302741 (VCV001302741.5), dbSNP rs763228811, ClinGen allele CA1398379.
Genomic context (GRCh38, chr1:218,346,882, plus strand): 5'-CGCGGGCAGATCCTGAGCAAGCTGAAGCTCACCAGTCCCCCAGAAGACTATCCTGAGCCC[G>A]AGGAAGTCCCCCCGGAGGTGATTTCCATCTACAACAGCACCAGGGACTTGCTCCAGGAGA-3'
Protein context (NP_003229.1, residues 51-71): TSPPEDYPEP[Glu61Lys]EVPPEVISIY